The following is an entry in ClinVar:

NM_001009931.3(HRNR):c.7110C>T (p.His2370=)

Genes: CCDST (cervical cancer associated DHX9 suppressive transcript; plus strand), HRNR (hornerin; minus strand). Cytogenetic location: 1q21.3.
Variant type: single nucleotide variant.
Coding change: c.7110C>T on transcript NM_001009931.3 (MANE Select); coding-DNA position 7110, C replaced by T.
Protein change: p.His2370=; no amino-acid change (histidine 2370 retained).
Molecular consequence: synonymous variant.
Genome position (GRCh38, 1-based): chr1:152,214,519, G>A on the plus strand (C>T on the coding strand, the complement: HRNR is on the minus strand). VCF-style: chr1-152214519-G-A. GRCh37 (hg19) VCF-style: chr1-152186995-G-A.
Identifiers: ClinVar variation 3025410 (VCV003025410.22), dbSNP rs762094151, ClinGen allele CA1100164.

ClinVar aggregate classification (germline): Likely benign (1 of 4 stars; one submission).

Allele frequency attached by ClinVar (database versions not stated): ExAC 0.00026.

Submission:

CeGaT Center for Human Genetics Tuebingen
Classification: Likely benign. Last evaluated: 2022-09-01. Review status: criteria provided, single submitter. Criteria: CeGaT Center For Human Genetics Tuebingen Variant Classification Criteria Version 2. Collection method: clinical testing. Allele origin: germline. Affected: yes. Observed: 1 variant allele.
Comment: HRNR: BP4, BP7